The following is an entry in ClinVar:

ClinVar aggregate classification (germline): Uncertain significance (1 of 4 stars; one submission).

gnomAD v4.1: 1 of 1,613,994 alleles (0.000062%); highest among the groups gnomAD compares: Non-Finnish European, 0.000085%; no homozygotes.

Submission:

Dasa
Classification: Uncertain significance. Last evaluated: 2024-10-03. Review status: criteria provided, single submitter. Criteria: DASA Assertion Criteria. Collection method: clinical testing. Allele origin: germline.
Comment: NM_001845.6(COL4A1):c.4975G>T (p.Val1659Phe) is a missense variant that results in the substitution of valine with phenylalanine. This variant is rare in population databases. Computational prediction algorithms are consistent with a deleterious effect. The currently available literature and clinical evidence are not sufficient to establish a definitive association between this variant and the reported condition. Therefore, this variant is classified as a variant of uncertain significance.

NM_001845.6(COL4A1):c.4975G>T (p.Val1659Phe)

Gene: COL4A1 (collagen type IV alpha 1 chain; minus strand). Cytogenetic location: 13q34.
Variant type: single nucleotide variant.
Coding change: c.4975G>T on transcript NM_001845.6 (MANE Select); coding-DNA position 4975, G replaced by T.
Protein change: p.Val1659Phe; replaces valine 1659 with phenylalanine.
Molecular consequence: missense variant.
Genome position (GRCh38, 1-based): chr13:110,150,398, C>A on the plus strand (G>T on the coding strand, the complement: COL4A1 is on the minus strand). VCF-style: chr13-110150398-C-A. GRCh37 (hg19) VCF-style: chr13-110802745-C-A.
Other names: short protein forms V1659F.
Identifiers: ClinVar variation 4882911 (VCV004882911.2).